The following is an entry in ClinVar:

ClinVar aggregate classification (germline): Likely benign. Review status: criteria provided, single submitter (1 of 4 stars). 2 submissions from 2 submitters: Likely benign (1). 1 of the submissions does not count toward it. Last evaluated 2024-09-30.

Conditions:
MACF1-related disorder. Also called: MACF1-related condition.
Inborn genetic diseases. Identifiers: MedGen C0950123, MeSH D030342.

gnomAD v4.1: 8 of 1,607,968 alleles (0.0005%); highest among the groups gnomAD compares: South Asian, 0.0011%; no homozygotes.

Submissions (2):

Ambry Genetics
Classification: Likely benign for Inborn genetic diseases. Last evaluated: 2024-09-30. Review status: criteria provided, single submitter. Criteria: Ambry Variant Classification Scheme 2023. Collection method: clinical testing. Allele origin: germline.

PreventionGenetics, part of Exact Sciences
Classification: Uncertain significance for MACF1-related condition. Last evaluated: 2024-08-14. Review status: no assertion criteria provided. Collection method: clinical testing. Allele origin: germline. Not counted in ClinVar's aggregate classification.
Comment: The MACF1 c.4559A>G variant is predicted to result in the amino acid substitution p.Asp1520Gly. To our knowledge, this variant has not been reported in the literature. This variant is reported in 0.0018% of alleles in individuals of European (Non-Finnish) descent in gnomAD. At this time, the clinical significance of this variant is uncertain due to the absence of conclusive functional and genetic evidence.

NM_001394062.1(MACF1):c.4544A>G (p.Asp1515Gly)

Gene: MACF1 (microtubule actin crosslinking factor 1; plus strand). Cytogenetic location: 1p34.3.
Variant type: single nucleotide variant.
Coding change: c.4544A>G on transcript NM_001394062.1 (MANE Select); coding-DNA position 4544, A replaced by G.
Protein change: p.Asp1515Gly; replaces aspartic acid 1515 with glycine.
Molecular consequence: missense variant.
Genome position (GRCh38, 1-based): chr1:39,327,283, A>G. VCF-style: chr1-39327283-A-G. GRCh37 (hg19) VCF-style: chr1-39792955-A-G.
Other names: c.4559A>G, p.Asp1520Gly (NM_012090.5); c.4559A>G (NM_012090.4); short protein forms D1515G, D1520G.
Identifiers: ClinVar variation 3352734 (VCV003352734.2).